The following is an entry in ClinVar:

ClinVar aggregate classification (germline): Likely pathogenic (1 of 4 stars; one submission).

Submission:

GeneDx
Classification: Likely pathogenic. Last evaluated: 2026-04-28. Review status: criteria provided, single submitter. Criteria: GeneDx Variant Classification Process June 2021. Collection method: clinical testing. Allele origin: germline.
Comment: Not observed at significant frequency in large population cohorts (gnomAD); In silico analysis supports that this missense variant has a deleterious effect on protein structure/function; Has not been previously published as pathogenic or benign to our knowledge

NM_006852.6(TLK2):c.1637G>C (p.Arg546Pro)

Gene: TLK2 (tousled like kinase 2; plus strand). Cytogenetic location: 17q23.2.
Variant type: single nucleotide variant.
Coding change: c.1637G>C on transcript NM_006852.6 (MANE Select); coding-DNA position 1637, G replaced by C.
Protein change: p.Arg546Pro; replaces arginine 546 with proline.
Molecular consequence: missense variant.
Genome position (GRCh38, 1-based): chr17:62,600,737, G>C. VCF-style: chr17-62600737-G-C. GRCh37 (hg19) VCF-style: chr17-60678098-G-C.
Other names: c.1703G>C, p.Arg568Pro (NM_001284333.3); c.1541G>C, p.Arg514Pro (NM_001284363.1, NM_001375272.1); c.1190G>C, p.Arg397Pro (NM_001330418.3, NM_001375273.1); c.1679G>C, p.Arg560Pro (NM_001375269.1); c.1637G>C, p.Arg546Pro (NM_001375270.1, NM_001375271.1); c.1352G>C, p.Arg451Pro (NM_001411074.1); short protein forms R397P, R451P, R514P, R546P, R560P, R568P.
Identifiers: ClinVar variation 2499688 (VCV002499688.2), dbSNP rs2147165727, ClinGen allele CA400511012.
Genomic context (GRCh38, chr17:62,600,737, plus strand): 5'-AGGGAAATGATCTGGACTTCTACCTGAAACAGCACAAATTAATGTCGGAGAAAGAGGCCC[G>C]GTCCATTATCATGCAGATTGTGAATGCTTTAAAGTACTTAAATGAAATAAAACCTCCCAT-3'
Protein context (NP_006843.2, residues 536-556): QHKLMSEKEA[Arg546Pro]SIIMQIVNAL